The following is an entry in ClinVar:

ClinVar aggregate classification (germline): Uncertain significance. Review status: criteria provided, multiple submitters, no conflicts (2 of 4 stars). 2 submissions from 2 submitters: Uncertain significance (2). Last evaluated 2024-05-02.

Conditions:
Gorlin syndrome. Also called: Basal cell nevus syndrome; Nevoid Basal Cell Carcinoma Syndrome. Identifiers: Orphanet 377, MedGen C0004779, MONDO:0007187.
Medulloblastoma (MDB). Also called: MEDULLOBLASTOMA PREDISPOSITION SYNDROME; Medulloblastoma, somatic. Identifiers: Orphanet 616, MedGen C0025149, MeSH D008527, MONDO:0007959, OMIM 155255, HP:0002885.
Hereditary cancer-predisposing syndrome. Also called: Neoplastic Syndromes, Hereditary; Hereditary neoplastic syndrome; Tumor predisposition; Hereditary Cancer Syndrome. Identifiers: Orphanet 140162, MedGen C0027672, MeSH D009386, MONDO:0015356.

Submissions (2):

Ambry Genetics
Classification: Uncertain significance for Hereditary cancer-predisposing syndrome. Last evaluated: 2024-05-02. Review status: criteria provided, single submitter. Criteria: Ambry Variant Classification Scheme 2023. Collection method: clinical testing. Allele origin: germline.
Comment: The p.D285E variant (also known as c.855C>G), located in coding exon 7 of the SUFU gene, results from a C to G substitution at nucleotide position 855. The aspartic acid at codon 285 is replaced by glutamic acid, an amino acid with highly similar properties. This amino acid position is conserved. In addition, this alteration is predicted to be tolerated by in silico analysis. Based on the available evidence, the clinical significance of this variant remains unclear.

Labcorp Genetics (formerly Invitae), Labcorp
Classification: Uncertain significance for Gorlin syndrome; Medulloblastoma. Last evaluated: 2019-12-13. Review status: criteria provided, single submitter. Criteria: Invitae Variant Classification Sherloc (09022015). Collection method: clinical testing. Allele origin: germline.
Comment: This sequence change replaces aspartic acid with glutamic acid at codon 285 of the SUFU protein (p.Asp285Glu). The aspartic acid residue is moderately conserved and there is a small physicochemical difference between aspartic acid and glutamic acid. In summary, the available evidence is currently insufficient to determine the role of this variant in disease. Therefore, it has been classified as a Variant of Uncertain Significance. Algorithms developed to predict the effect of missense changes on protein structure and function (SIFT, PolyPhen-2, Align-GVGD) all suggest that this variant is likely to be tolerated, but these predictions have not been confirmed by published functional studies and their clinical significance is uncertain. This variant has not been reported in the literature in individuals with SUFU-related conditions. This variant is not present in population databases (ExAC no frequency).

NM_016169.4(SUFU):c.855C>G (p.Asp285Glu)

Gene: SUFU (SUFU negative regulator of hedgehog signaling; plus strand). Cytogenetic location: 10q24.32.
Variant type: single nucleotide variant.
Coding change: c.855C>G on transcript NM_016169.4 (MANE Select); coding-DNA position 855, C replaced by G.
Protein change: p.Asp285Glu; replaces aspartic acid 285 with glutamic acid.
Molecular consequence: missense variant.
Genome position (GRCh38, 1-based): chr10:102,597,238, C>G. VCF-style: chr10-102597238-C-G. GRCh37 (hg19) VCF-style: chr10-104356995-C-G.
Other names: c.855C>G, p.Asp285Glu (NM_001178133.2); short protein forms D285E.
Identifiers: ClinVar variation 838058 (VCV000838058.11), dbSNP rs200206997, ClinGen allele CA377910657.